The following is an entry in ClinVar:

NM_000218.3(KCNQ1):c.1738A>G (p.Ser580Gly)

Gene: KCNQ1 (potassium voltage-gated channel subfamily Q member 1; plus strand). Cytogenetic location: 11p15.5.
Variant type: single nucleotide variant.
Coding change: c.1738A>G on transcript NM_000218.3 (MANE Select); coding-DNA position 1738, A replaced by G.
Protein change: p.Ser580Gly; replaces serine 580 with glycine.
Molecular consequence: missense variant.
Genome position (GRCh38, 1-based): chr11:2,777,981, A>G. VCF-style: chr11-2777981-A-G. GRCh37 (hg19) VCF-style: chr11-2799211-A-G.
Other names: c.1642A>G, p.Ser548Gly (NM_001406836.1); c.1468A>G, p.Ser490Gly (NM_001406837.1); c.1198A>G, p.Ser400Gly (NM_001406838.1); c.250A>G, p.Ser84Gly (NM_001406839.1); c.1357A>G, p.Ser453Gly (NM_181798.2); short protein forms S400G, S580G, S84G, S453G, S490G, S548G.
Identifiers: ClinVar variation 1779119 (VCV001779119.2), dbSNP rs200476771, ClinGen allele CA216321923.

ClinVar aggregate classification (germline): Uncertain significance (1 of 4 stars; one submission).

Conditions:
Cardiovascular phenotype. Identifiers: MedGen CN230736.

Allele frequency attached by ClinVar (database versions not stated): gnomAD exomes below 0.00001; gnomAD 0.00002; TOPMed 0.00002; 1000 Genomes Project 30x 0.00016; 1000 Genomes Project 0.00020.
gnomAD v4.1: 4 of 1,613,854 alleles (0.00025%); highest among the groups gnomAD compares: African/African-American, 0.004%; no homozygotes.

Submission:

Ambry Genetics
Classification: Uncertain significance for Cardiovascular phenotype. Last evaluated: 2021-03-08. Review status: criteria provided, single submitter. Criteria: Ambry Variant Classification Scheme 2023. Collection method: clinical testing. Allele origin: germline.
Comment: The p.S580G variant (also known as c.1738A>G), located in coding exon 15 of the KCNQ1 gene, results from an A to G substitution at nucleotide position 1738. The serine at codon 580 is replaced by glycine, an amino acid with similar properties, and is located in the cytoplasmic C-terminal region. This amino acid position is not well conserved in available vertebrate species. In addition, the in silico prediction for this alteration is inconclusive. Since supporting evidence is limited at this time, the clinical significance of this alteration remains unclear.